The following is an entry in ClinVar:

ClinVar aggregate classification (germline): Conflicting classifications of pathogenicity. Review status: criteria provided, conflicting classifications (1 of 4 stars). 4 submissions from 4 submitters: Uncertain significance (1); Likely benign (3). Last evaluated 2025-11-20.

Conditions:
Factor XIII, A subunit, deficiency of. Also called: Factor XIII subunit A deficiency. Identifiers: Orphanet 331, MedGen C2750514, MONDO:0013187, OMIM 613225, HP:0040233.
F13A1-related disorder. Also called: F13A1-related condition.

Allele frequency attached by ClinVar (database versions not stated): ESP Exome Variant Server 0.00008; gnomAD 0.00015 and 0.00021; TOPMed 0.00029; ExAC 0.00050; gnomAD exomes 0.00050; 1000 Genomes Project 30x 0.00109; 1000 Genomes Project 0.00120.
gnomAD v4.1: 258 of 1,613,670 alleles (0.016%); highest among the groups gnomAD compares: East Asian, 0.47%; 1 homozygote.

Submissions (6):

PreventionGenetics, part of Exact Sciences
Classification: Likely benign for F13A1-related condition. Last evaluated: 2025-11-20. Review status: criteria provided, single submitter. Criteria: ACMG Guidelines, 2015. Collection method: clinical testing. Allele origin: germline.
Comment: This variant is classified as likely benign based on ACMG/AMP sequence variant interpretation guidelines (Richards et al. 2015 PMID: 25741868, with internal and published modifications).

Women's Health and Genetics/Laboratory Corporation of America, LabCorp
Classification: Likely benign. Last evaluated: 2024-09-13. Review status: criteria provided, single submitter. Criteria: LabCorp Variant Classification Summary - May 2015. Collection method: clinical testing. Allele origin: germline.

Blueprint Genetics
Classification: Likely benign. Last evaluated: 2024-05-28. Review status: criteria provided, single submitter. Criteria: ACMG Guidelines, 2015. Collection method: clinical testing. Allele origin: germline.

Illumina Laboratory Services, Illumina
Classification: Uncertain significance for Factor XIII, A subunit, deficiency of. Last evaluated: 2018-01-13. Review status: criteria provided, single submitter. Criteria: ICSL Variant Classification Criteria 13 December 2019. Collection method: clinical testing. Allele origin: germline.

Dr. Peter K. Rogan Lab, Western University
No classification provided (evidence only). Condition: Clear cell carcinoma of kidney. Review status: no classification provided. Collection method: in vitro. Allele origin: not applicable. Functional consequence: retained intron. Not counted in ClinVar's aggregate classification.

Dr. Peter K. Rogan Lab, Western University
No classification provided (evidence only). Condition: Malignant tumor of esophagus. Review status: no classification provided. Collection method: in vitro. Allele origin: not applicable. Functional consequence: retained intron. Not counted in ClinVar's aggregate classification.

NM_000129.4(F13A1):c.102C>T (p.Gly34=)

Gene: F13A1 (coagulation factor XIII A chain; minus strand). Cytogenetic location: 6p25.1.
Variant type: single nucleotide variant.
Coding change: c.102C>T on transcript NM_000129.4 (MANE Select); coding-DNA position 102, C replaced by T.
Protein change: p.Gly34=; no amino-acid change (glycine 34 retained).
Molecular consequence: synonymous variant.
Genome position (GRCh38, 1-based): chr6:6,318,563, G>A on the plus strand (C>T on the coding strand, the complement: F13A1 is on the minus strand). VCF-style: chr6-6318563-G-A. GRCh37 (hg19) VCF-style: chr6-6318796-G-A.
Other names: NC_000006.11:g.6318796G>A.
Identifiers: ClinVar variation 357678 (VCV000357678.9), dbSNP rs187027323, ClinGen allele CA3624781.